The following is an entry in ClinVar:

ClinVar aggregate classification (germline): Uncertain significance (1 of 4 stars; one submission).

Allele frequency attached by ClinVar (database versions not stated): TOPMed 0.00002.

Submission:

Labcorp Genetics (formerly Invitae), Labcorp
Classification: Uncertain significance. Last evaluated: 2025-12-16. Review status: criteria provided, single submitter. Criteria: Invitae Variant Classification Sherloc (09022015). Collection method: clinical testing. Allele origin: germline.
Comment: This sequence change replaces isoleucine, which is neutral and non-polar, with phenylalanine, which is neutral and non-polar, at codon 1593 of the NALCN protein (p.Ile1593Phe). This variant is not present in population databases (gnomAD no frequency). This variant has not been reported in the literature in individuals affected with NALCN-related conditions. ClinVar contains an entry for this variant (Variation ID: 2965117). Invitae Evidence Modeling of protein sequence and biophysical properties (such as structural, functional, and spatial information, amino acid conservation, physicochemical variation, residue mobility, and thermodynamic stability) indicates that this missense variant is not expected to disrupt NALCN protein function with a negative predictive value of 80%. In summary, the available evidence is currently insufficient to determine the role of this variant in disease. Therefore, it has been classified as a Variant of Uncertain Significance.

NM_052867.4(NALCN):c.4777A>T (p.Ile1593Phe)

Gene: NALCN (sodium leak channel, non-selective; minus strand). Cytogenetic location: 13q32.3.
Variant type: single nucleotide variant.
Coding change: c.4777A>T on transcript NM_052867.4 (MANE Select); coding-DNA position 4777, A replaced by T.
Protein change: p.Ile1593Phe; replaces isoleucine 1593 with phenylalanine.
Molecular consequence: missense variant.
Genome position (GRCh38, 1-based): chr13:101,059,946, T>A on the plus strand (A>T on the coding strand, the complement: NALCN is on the minus strand). VCF-style: chr13-101059946-T-A. GRCh37 (hg19) VCF-style: chr13-101712298-T-A.
Other names: c.4864A>T, p.Ile1622Phe (NM_001350748.2); c.4777A>T, p.Ile1593Phe (NM_001350749.2); c.4690A>T, p.Ile1564Phe (NM_001350750.2, NM_001350751.2); short protein forms I1564F, I1622F, I1593F.
Identifiers: ClinVar variation 2965117 (VCV002965117.3), dbSNP rs1239991074, ClinGen allele CA388644257.